The following is an entry in ClinVar:

NM_000465.4(BARD1):c.1771A>C (p.Ile591Leu)

Gene: BARD1 (BRCA1 associated RING domain 1; minus strand). Cytogenetic location: 2q35.
Variant type: single nucleotide variant.
Coding change: c.1771A>C on transcript NM_000465.4 (MANE Select); coding-DNA position 1771, A replaced by C.
Protein change: p.Ile591Leu; replaces isoleucine 591 with leucine.
Molecular consequence: missense variant. On other transcripts: non-coding transcript variant (3), intron variant (1).
Genome position (GRCh38, 1-based): chr2:214,745,761, T>G on the plus strand (A>C on the coding strand, the complement: BARD1 is on the minus strand). VCF-style: chr2-214745761-T-G. GRCh37 (hg19) VCF-style: chr2-215610485-T-G.
Other names: c.1771A>C (NM_000465.2); c.1714A>C, p.Ile572Leu (NM_001282543.2); c.418A>C, p.Ile140Leu (NM_001282545.2); c.361A>C, p.Ile121Leu (NM_001282548.2); c.365-15253A>C (NM_001282549.2); short protein forms I140L, I121L, I572L, I591L.
Identifiers: ClinVar variation 3729353 (VCV003729353.3).

ClinVar aggregate classification (germline): Uncertain significance. Review status: criteria provided, multiple submitters, no conflicts (2 of 4 stars). 2 submissions from 2 submitters: Uncertain significance (2). Last evaluated 2026-07-07.

Conditions:
Familial cancer of breast. Also called: Hereditary breast cancer; BREAST CANCER, FAMILIAL; hereditary breast carcinoma. Identifiers: Orphanet 227535, MedGen C0346153, MONDO:0016419, OMIM 114480. Disease mechanism: loss of function.
Hereditary cancer-predisposing syndrome. Also called: Tumor predisposition; Hereditary neoplastic syndrome; Hereditary Cancer Syndrome; Neoplastic Syndromes, Hereditary. Identifiers: Orphanet 140162, MedGen C0027672, MeSH D009386, MONDO:0015356.

gnomAD v4.1: 1 of 1,614,048 alleles (0.000062%); highest among the groups gnomAD compares: Non-Finnish European, 0.000085%; no homozygotes.

Submissions (2):

Ambry Genetics
Classification: Uncertain significance for Hereditary cancer-predisposing syndrome. Last evaluated: 2026-07-07. Review status: criteria provided, single submitter. Criteria: Ambry Variant Classification Scheme 2023. Collection method: clinical testing. Allele origin: germline.
Comment: The p.I591L variant (also known as c.1771A>C), located in coding exon 8 of the BARD1 gene, results from an A to C substitution at nucleotide position 1771. The isoleucine at codon 591 is replaced by leucine, an amino acid with highly similar properties. This amino acid position is conserved. In addition, this alteration is predicted to be tolerated by in silico analysis. Based on the available evidence, the clinical significance of this variant remains unclear.

Labcorp Genetics (formerly Invitae), Labcorp
Classification: Uncertain significance for Familial cancer of breast. Last evaluated: 2025-01-23. Review status: criteria provided, single submitter. Criteria: Invitae Variant Classification Sherloc (09022015). Collection method: clinical testing. Allele origin: germline.
Comment: This sequence change replaces isoleucine, which is neutral and non-polar, with leucine, which is neutral and non-polar, at codon 591 of the BARD1 protein (p.Ile591Leu). This variant is not present in population databases (gnomAD no frequency). This variant has not been reported in the literature in individuals affected with BARD1-related conditions. An algorithm developed to predict the effect of missense changes on protein structure and function (PolyPhen-2) suggests that this variant is likely to be tolerated. In summary, the available evidence is currently insufficient to determine the role of this variant in disease. Therefore, it has been classified as a Variant of Uncertain Significance.